The following is an entry in ClinVar:

NM_000256.3(MYBPC3):c.584A>G (p.Lys195Arg)

Gene: MYBPC3 (myosin binding protein C3; minus strand). Cytogenetic location: 11p11.2.
Variant type: single nucleotide variant.
Coding change: c.584A>G on transcript NM_000256.3 (MANE Select); coding-DNA position 584, A replaced by G.
Protein change: p.Lys195Arg; replaces lysine 195 with arginine.
Molecular consequence: missense variant.
Genome position (GRCh38, 1-based): chr11:47,349,844, T>C on the plus strand (A>G on the coding strand, the complement: MYBPC3 is on the minus strand). VCF-style: chr11-47349844-T-C. GRCh37 (hg19) VCF-style: chr11-47371395-T-C.
Other names: short protein forms K195R.
Identifiers: ClinVar variation 1418457 (VCV001418457.8), dbSNP rs2142867738, ClinGen allele CA380337709.

ClinVar aggregate classification (germline): Uncertain significance (1 of 4 stars; one submission).

Conditions:
Hypertrophic cardiomyopathy. Also called: HYPERTROPHIC MYOCARDIOPATHY. Identifiers: Orphanet 217569, MedGen C0007194, MeSH D002312, MONDO:0005045, HP:0001639.

Submission:

Labcorp Genetics (formerly Invitae), Labcorp
Classification: Uncertain significance for Hypertrophic cardiomyopathy. Last evaluated: 2023-08-04. Review status: criteria provided, single submitter. Criteria: Invitae Variant Classification Sherloc (09022015). Collection method: clinical testing. Allele origin: germline.
Comment: In summary, the available evidence is currently insufficient to determine the role of this variant in disease. Therefore, it has been classified as a Variant of Uncertain Significance. An algorithm developed to predict the effect of missense changes on protein structure and function (PolyPhen-2) suggests that this variant is likely to be disruptive. ClinVar contains an entry for this variant (Variation ID: 1418457). This variant has not been reported in the literature in individuals affected with MYBPC3-related conditions. This variant is not present in population databases (gnomAD no frequency). This sequence change replaces lysine, which is basic and polar, with arginine, which is basic and polar, at codon 195 of the MYBPC3 protein (p.Lys195Arg).